The following is an entry in ClinVar:

ClinVar aggregate classification (germline): Uncertain significance. Review status: criteria provided, multiple submitters, no conflicts (2 of 4 stars). 2 submissions from 2 submitters: Uncertain significance (2). Last evaluated 2026-01-19.

Conditions:
Spastic paraplegia. Identifiers: MedGen C0037772, HP:0001258.

Allele frequency attached by ClinVar (database versions not stated): gnomAD exomes below 0.00001 and 0.00001; ExAC 0.00001; gnomAD 0.00001; ESP Exome Variant Server 0.00015.
gnomAD v4.1: 10 of 1,613,550 alleles (0.00062%); highest among the groups gnomAD compares: African/African-American, 0.0013%; no homozygotes.

Submissions (2):

Labcorp Genetics (formerly Invitae), Labcorp
Classification: Uncertain significance for Spastic paraplegia. Last evaluated: 2026-01-19. Review status: criteria provided, single submitter. Criteria: Invitae Variant Classification Sherloc (09022015). Collection method: clinical testing. Allele origin: germline.
Comment: This sequence change replaces glutamic acid, which is acidic and polar, with lysine, which is basic and polar, at codon 730 of the KIF5A protein (p.Glu730Lys). This variant is present in population databases (rs370904481, gnomAD 0.0009%). This variant has not been reported in the literature in individuals affected with KIF5A-related conditions. ClinVar contains an entry for this variant (Variation ID: 1403922). Invitae Evidence Modeling of protein sequence and biophysical properties (such as structural, functional, and spatial information, amino acid conservation, physicochemical variation, residue mobility, and thermodynamic stability) has been performed for this missense variant. However, the output from this modeling did not meet the statistical confidence thresholds required to predict the impact of this variant on KIF5A protein function. In summary, the available evidence is currently insufficient to determine the role of this variant in disease. Therefore, it has been classified as a Variant of Uncertain Significance.

GeneDx
Classification: Uncertain significance. Last evaluated: 2024-07-17. Review status: criteria provided, single submitter. Criteria: GeneDx Variant Classification Process June 2021. Collection method: clinical testing. Allele origin: germline. Affected: yes.
Comment: In silico analysis supports that this missense variant has a deleterious effect on protein structure/function; Has not been previously published as pathogenic or benign to our knowledge

NM_004984.4(KIF5A):c.2188G>A (p.Glu730Lys)

Gene: KIF5A (kinesin family member 5A; plus strand). Cytogenetic location: 12q13.3.
Variant type: single nucleotide variant.
Coding change: c.2188G>A on transcript NM_004984.4 (MANE Select); coding-DNA position 2188, G replaced by A.
Protein change: p.Glu730Lys; replaces glutamic acid 730 with lysine.
Molecular consequence: missense variant.
Genome position (GRCh38, 1-based): chr12:57,576,368, G>A. VCF-style: chr12-57576368-G-A. GRCh37 (hg19) VCF-style: chr12-57970151-G-A.
Other names: c.1921G>A, p.Glu641Lys (NM_001354705.2); c.2188G>A (NM_004984.2); short protein forms E641K, E730K.
Identifiers: ClinVar variation 1403922 (VCV001403922.7), dbSNP rs370904481, ClinGen allele CA6653031.